The following is an entry in ClinVar:

NM_020937.4(FANCM):c.737C>T (p.Ala246Val)

Gene: FANCM (FA complementation group M; plus strand). Cytogenetic location: 14q21.2.
Variant type: single nucleotide variant.
Coding change: c.737C>T on transcript NM_020937.4 (MANE Select); coding-DNA position 737, C replaced by T.
Protein change: p.Ala246Val; replaces alanine 246 with valine.
Molecular consequence: missense variant. On other transcripts: intron variant (1).
Genome position (GRCh38, 1-based): chr14:45,140,687, C>T. VCF-style: chr14-45140687-C-T. GRCh37 (hg19) VCF-style: chr14-45609890-C-T.
Other names: c.737C>T, p.Ala246Val (NM_001308134.2); c.681+3446C>T (NM_001308133.2); short protein forms A246V.
Identifiers: ClinVar variation 2633127 (VCV002633127.1), dbSNP rs2503052500, ClinGen allele CA389589149.
Genomic context (GRCh38, chr14:45,140,687, plus strand): 5'-TTAAGGTTGTAAGAGAACTAGTCAAATATACAAATCACTTTAGAATCTTGGCTCTAAGTG[C>T]CACACCAGGTAGTGATATAAAGGTAAGTAAAATGTTTTTCCATTTATTACAGTTAAGAAA-3'
Protein context (NP_065988.1, residues 236-256): TNHFRILALS[Ala246Val]TPGSDIKAVQ

ClinVar aggregate classification (germline): Uncertain significance (1 of 4 stars; one submission).

Conditions:
FANCM-related disorder. Also called: FANCM-related condition.

Submission:

PreventionGenetics, part of Exact Sciences
Classification: Uncertain significance for FANCM-related condition. Last evaluated: 2023-05-22. Review status: criteria provided, single submitter. Criteria: ACMG Guidelines, 2015. Collection method: clinical testing. Allele origin: germline.
Comment: The FANCM c.737C>T variant is predicted to result in the amino acid substitution p.Ala246Val. To our knowledge, this variant has not been reported in the literature or in a large population database, indicating this variant is rare. At this time, the clinical significance of this variant is uncertain due to the absence of conclusive functional and genetic evidence.